The following is an entry in ClinVar:

NM_004168.4(SDHA):c.976T>A (p.Phe326Ile)

Gene: SDHA (succinate dehydrogenase complex flavoprotein subunit A; plus strand). Cytogenetic location: 5p15.33.
Variant type: single nucleotide variant.
Coding change: c.976T>A on transcript NM_004168.4 (MANE Select); coding-DNA position 976, T replaced by A.
Protein change: p.Phe326Ile; replaces phenylalanine 326 with isoleucine.
Molecular consequence: missense variant.
Genome position (GRCh38, 1-based): chr5:233,557, T>A. VCF-style: chr5-233557-T-A. GRCh37 (hg19) VCF-style: chr5-233672-T-A.
Other names: c.832T>A, p.Phe278Ile (NM_001294332.2); c.976T>A, p.Phe326Ile (NM_001330758.2); c.976T>A (NM_004168.2); short protein forms F278I, F326I.
Identifiers: ClinVar variation 3753211 (VCV003753211.3).

ClinVar aggregate classification (germline): Uncertain significance. Review status: criteria provided, multiple submitters, no conflicts (2 of 4 stars). 2 submissions from 2 submitters: Uncertain significance (2). Last evaluated 2026-06-02.

Conditions:
Hereditary cancer-predisposing syndrome. Also called: Hereditary neoplastic syndrome; Neoplastic Syndromes, Hereditary; Tumor predisposition; Hereditary Cancer Syndrome. Identifiers: Orphanet 140162, MedGen C0027672, MeSH D009386, MONDO:0015356.
Mitochondrial complex II deficiency, nuclear type 1. Also called: SUCCINATE CoQ REDUCTASE DEFICIENCY. Identifiers: Orphanet 3208, MedGen C5700310, MONDO:0100294, OMIM 252011.
Pheochromocytoma/paraganglioma syndrome 5. Also called: Paragangliomas 5; SDHA-Related Hereditary Paraganglioma-Pheochromocytoma Syndrome. Identifiers: Orphanet 29072, MedGen C3279992, MONDO:0013602, OMIM 614165.

gnomAD v4.1: 1 of 1,614,146 alleles (0.000062%); highest among the groups gnomAD compares: Admixed American, 0.0017%; no homozygotes.

Submissions (2):

Ambry Genetics
Classification: Uncertain significance for Hereditary cancer-predisposing syndrome. Last evaluated: 2026-06-02. Review status: criteria provided, single submitter. Criteria: Ambry Variant Classification Scheme 2023. Collection method: clinical testing. Allele origin: germline.
Comment: The p.F326I variant (also known as c.976T>A), located in coding exon 8 of the SDHA gene, results from a T to A substitution at nucleotide position 976. The phenylalanine at codon 326 is replaced by isoleucine, an amino acid with highly similar properties. This amino acid position is conserved. In addition, this alteration is predicted to be deleterious by in silico analysis. Based on the available evidence, the clinical significance of this variant remains unclear.

Labcorp Genetics (formerly Invitae), Labcorp
Classification: Uncertain significance for Pheochromocytoma/paraganglioma syndrome 5; Mitochondrial complex II deficiency, nuclear type 1. Last evaluated: 2024-03-06. Review status: criteria provided, single submitter. Criteria: Invitae Variant Classification Sherloc (09022015). Collection method: clinical testing. Allele origin: germline.
Comment: This sequence change replaces phenylalanine, which is neutral and non-polar, with isoleucine, which is neutral and non-polar, at codon 326 of the SDHA protein (p.Phe326Ile). This variant is present in population databases (no rsID available, gnomAD 0.003%). This variant has not been reported in the literature in individuals affected with SDHA-related conditions. Advanced modeling of protein sequence and biophysical properties (such as structural, functional, and spatial information, amino acid conservation, physicochemical variation, residue mobility, and thermodynamic stability) has been performed at Invitae for this missense variant, however the output from this modeling did not meet the statistical confidence thresholds required to predict the impact of this variant on SDHA protein function. In summary, the available evidence is currently insufficient to determine the role of this variant in disease. Therefore, it has been classified as a Variant of Uncertain Significance.